The following is an entry in ClinVar:

NM_004369.4(COL6A3):c.6210+5G>A

Gene: COL6A3 (collagen type VI alpha 3 chain; minus strand). Cytogenetic location: 2q37.3.
Variant type: single nucleotide variant.
Coding change: c.6210+5G>A on transcript NM_004369.4 (MANE Select); 5 bases into the intron after coding-DNA position 6210, G replaced by A.
Molecular consequence: intron variant.
Genome position (GRCh38, 1-based): chr2:237,361,116, C>T on the plus strand (G>A on the coding strand, the complement: COL6A3 is on the minus strand). VCF-style: chr2-237361116-C-T. GRCh37 (hg19) VCF-style: chr2-238269759-C-T.
Other names: c.4389+5G>A (NM_057166.5); c.5592+5G>A (NM_057167.4).
Identifiers: ClinVar variation 1027374 (VCV001027374.4), dbSNP rs886044593, ClinGen allele CA1337618553.

ClinVar aggregate classification (germline): Pathogenic. Review status: criteria provided, single submitter (1 of 4 stars). 2 submissions from 2 submitters: Pathogenic (1). 1 of the submissions does not count toward it. Last evaluated 2024-09-02.

Conditions:
Bethlem myopathy 1A. Also called: Bethlem Muscular Dystrophy; MYOPATHY, BENIGN CONGENITAL, WITH CONTRACTURES; Bethlem myopathy 1. Identifiers: Orphanet 610, MedGen CN029274, MONDO:0024530, OMIM 158810.

Submissions (2):

Labcorp Genetics (formerly Invitae), Labcorp
Classification: Pathogenic for Bethlem myopathy 1A. Last evaluated: 2024-09-02. Review status: criteria provided, single submitter. Criteria: Invitae Variant Classification Sherloc (09022015). Collection method: clinical testing. Allele origin: germline.
Comment: This sequence change falls in intron 16 of the COL6A3 gene. It does not directly change the encoded amino acid sequence of the COL6A3 protein. RNA analysis indicates that this variant induces altered splicing and likely results in a shortened protein product. This variant is not present in population databases (gnomAD no frequency). This variant has been observed in individual(s) with type VI collagenopathy (PMID: 18366090, 20976770, 29419890). In at least one individual the variant was observed to be de novo. ClinVar contains an entry for this variant (Variation ID: 1027374). Variants that disrupt the consensus splice site are a relatively common cause of aberrant splicing (PMID: 17576681, 9536098). Studies have shown that this variant results in skipping of exon 16, but is expected to preserve the integrity of the reading-frame (PMID: 18366090). This variant disrupts the triple helix domain of COL6A3. Glycine residues within the Gly-Xaa-Yaa repeats of the triple helix domain are required for the structure and stability of fibrillar collagens (PMID: 7695699, 8218237, 19344236). In COL6A3, missense variants at these glycine residues are significantly enriched in individuals with autosomal dominant disease (PMID: 15689448, 24038877) compared to the general population (ExAC). For these reasons, this variant has been classified as Pathogenic.

GeneReviews
No classification provided. Condition: Bethlem myopathy 1A. Review status: no classification provided. Collection method: literature only. Allele origin: germline. Not counted in ClinVar's aggregate classification.
Comment: Common variant that results in exon 16 skipping

Literature cited by the submitters: PubMed 18366090 (cited by Labcorp Genetics (formerly Invitae), Labcorp); PubMed 20976770 (cited by Labcorp Genetics (formerly Invitae), Labcorp and GeneReviews); PubMed 29419890 (cited by Labcorp Genetics (formerly Invitae), Labcorp and GeneReviews); PubMed 17576681 (cited by Labcorp Genetics (formerly Invitae), Labcorp); PubMed 9536098 (cited by Labcorp Genetics (formerly Invitae), Labcorp); PubMed 7695699 (cited by Labcorp Genetics (formerly Invitae), Labcorp); PubMed 8218237 (cited by Labcorp Genetics (formerly Invitae), Labcorp); PubMed 19344236 (cited by Labcorp Genetics (formerly Invitae), Labcorp); PubMed 15689448 (cited by Labcorp Genetics (formerly Invitae), Labcorp); PubMed 24038877 (cited by Labcorp Genetics (formerly Invitae), Labcorp); PubMed 24271325 (cited by GeneReviews); PubMed 24518369 (cited by GeneReviews); PubMed 20301676 (cited by GeneReviews).